The following is an entry in ClinVar:

NM_032043.3(BRIP1):c.3440del (p.Asn1147fs)

Gene: BRIP1 (BRCA1 interacting DNA helicase 1; minus strand). Cytogenetic location: 17q23.2.
Variant type: Deletion.
Coding change: c.3440del on transcript NM_032043.3 (MANE Select); coding-DNA position 3440, one base deleted (A; older notation c.3440delA).
Protein change: p.Asn1147fs; shifts the reading frame from asparagine 1147.
Molecular consequence: frameshift variant.
Genome position (GRCh38, 1-based): chr17:61,683,606, T deleted on the plus strand (A on the coding strand, the reverse complement: BRIP1 is on the minus strand); the first of 7 consecutive T bases (chr17:61,683,606-61,683,612); deleting any one gives the same sequence. VCF-style (leftmost placement, unchanged base first): chr17-61683605-AT-A. GRCh37 (hg19) VCF-style: chr17-59760966-AT-A.
Other names: c.3440delA (NM_032043.2); short protein forms N1147fs.
Identifiers: ClinVar variation 3482413 (VCV003482413.1).

ClinVar aggregate classification (germline): Uncertain significance (1 of 4 stars; one submission).

Conditions:
Hereditary cancer-predisposing syndrome. Also called: Tumor predisposition; Neoplastic Syndromes, Hereditary; Hereditary Cancer Syndrome; Hereditary neoplastic syndrome. Identifiers: Orphanet 140162, MedGen C0027672, MeSH D009386, MONDO:0015356.

Submission:

Ambry Genetics
Classification: Uncertain significance for Hereditary cancer-predisposing syndrome. Last evaluated: 2024-07-25. Review status: criteria provided, single submitter. Criteria: Ambry Variant Classification Scheme 2023. Collection method: clinical testing. Allele origin: germline.
Comment: The c.3440delA variant, located in coding exon 19 of the BRIP1 gene, results from a deletion of one nucleotide at nucleotide position 3440, causing a translational frameshift with a predicted alternate stop codon (p.N1147Mfs*3). This alteration occurs at the 3' terminus of theBRIP1 gene, is not expected to trigger nonsense-mediated mRNAdecay, and only impacts the last 8.25% of the protein. The exact functional effect of this alteration is unknown. This variant was identified amongst a cohort of 549 Japanese individuals diagnosed with prostate cancer (Kimura H et al. Br J Cancer, 2022 Nov;127:1680-1690). Based on the available evidence, the clinical significance of this variant remains unclear.

Literature cited by the submitters: PubMed 35986085.